The following is an entry in ClinVar:

ClinVar aggregate classification (germline): Uncertain significance (1 of 4 stars; one submission).

Conditions:
Progressive sclerosing poliodystrophy (MTDPS4A). Also called: Mitochondrial DNA depletion syndrome 4A (Alpers type); ALPERS PROGRESSIVE INFANTILE POLIODYSTROPHY; NEURONAL DEGENERATION OF CHILDHOOD WITH LIVER DISEASE, PROGRESSIVE; Alpers Syndrome; ALPERS DIFFUSE DEGENERATION OF CEREBRAL GRAY MATTER WITH HEPATIC CIRRHOSIS; Alpers-Huttenlocher Syndrome. Identifiers: Orphanet 726, MedGen C0205710, MONDO:0008758, OMIM 203700.

Allele frequency attached by ClinVar (database versions not stated): gnomAD exomes below 0.00001; gnomAD 0.00001; TOPMed 0.00001.
gnomAD v4.1: 4 of 1,613,982 alleles (0.00025%); highest among the groups gnomAD compares: South Asian, 0.0011%; no homozygotes.

Submission:

Labcorp Genetics (formerly Invitae), Labcorp
Classification: Uncertain significance for Progressive sclerosing poliodystrophy. Last evaluated: 2022-08-29. Review status: criteria provided, single submitter. Criteria: Invitae Variant Classification Sherloc (09022015). Collection method: clinical testing. Allele origin: germline.
Comment: This variant is not present in population databases (gnomAD no frequency). This variant has not been reported in the literature in individuals affected with POLG-related conditions. Algorithms developed to predict the effect of missense changes on protein structure and function are either unavailable or do not agree on the potential impact of this missense change (SIFT: "Tolerated"; PolyPhen-2: "Possibly Damaging"; Align-GVGD: "Class C0"). In summary, the available evidence is currently insufficient to determine the role of this variant in disease. Therefore, it has been classified as a Variant of Uncertain Significance. This sequence change replaces valine, which is neutral and non-polar, with alanine, which is neutral and non-polar, at codon 364 of the POLG protein (p.Val364Ala).

NM_002693.3(POLG):c.1091T>C (p.Val364Ala)

Gene: POLG (DNA polymerase gamma, catalytic subunit; minus strand). Cytogenetic location: 15q26.1.
Variant type: single nucleotide variant.
Coding change: c.1091T>C on transcript NM_002693.3 (MANE Select); coding-DNA position 1091, T replaced by C.
Protein change: p.Val364Ala; replaces valine 364 with alanine.
Molecular consequence: missense variant.
Genome position (GRCh38, 1-based): chr15:89,328,764, A>G on the plus strand (T>C on the coding strand, the complement: POLG is on the minus strand). VCF-style: chr15-89328764-A-G. GRCh37 (hg19) VCF-style: chr15-89871995-A-G.
Other names: c.1091T>C, p.Val364Ala (NM_001126131.2); short protein forms V364A.
Identifiers: ClinVar variation 2197210 (VCV002197210.4), dbSNP rs1274983312, ClinGen allele CA393764926.